The following is an entry in ClinVar:

ClinVar aggregate classification (germline): Benign/Likely benign. Review status: criteria provided, multiple submitters, no conflicts (2 of 4 stars). 5 submissions from 5 submitters: Benign (4); Likely benign (1). Last evaluated 2026-01-16.

Conditions:
Renal hypomagnesemia 4. Also called: HYPOMAGNESEMIA, RENAL, NORMOCALCIURIC. Identifiers: Orphanet 34527, MedGen C2673648, MONDO:0012717, OMIM 611718.

Allele frequency attached by ClinVar (database versions not stated): ESP Exome Variant Server 0.00023; TOPMed 0.00210; 1000 Genomes Project 30x 0.00390; ExAC 0.00404; gnomAD exomes 0.00450; 1000 Genomes Project 0.00499; gnomAD 0.00538.
gnomAD v4.1: 3,098 of 1,613,952 alleles (0.19%); highest among the groups gnomAD compares: East Asian, 2.7%; 40 homozygotes.

Submissions (5):

Labcorp Genetics (formerly Invitae), Labcorp
Classification: Benign. Last evaluated: 2026-01-16. Review status: criteria provided, single submitter. Criteria: Invitae Variant Classification Sherloc (09022015). Collection method: clinical testing. Allele origin: germline.

Mayo Clinic Laboratories, Mayo Clinic
Classification: Benign. Last evaluated: 2024-12-11. Review status: criteria provided, single submitter. Criteria: ACMG Guidelines, 2015. Collection method: clinical testing. Allele origin: germline. Observed: 1 variant allele.
Comment: BS1, BS2

CeGaT Center for Human Genetics Tuebingen
Classification: Benign. Last evaluated: 2024-10-01. Review status: criteria provided, single submitter. Criteria: CeGaT Center For Human Genetics Tuebingen Variant Classification Criteria Version 2. Collection method: clinical testing. Allele origin: germline. Affected: yes. Observed: 1 variant allele.
Comment: EGF: BP4, BS1, BS2

GeneDx
Classification: Likely benign. Last evaluated: 2021-05-04. Review status: criteria provided, single submitter. Criteria: GeneDx Variant Classification Process June 2021. Collection method: clinical testing. Allele origin: germline. Affected: yes.
Comment: See Variant Classification Assertion Criteria.

Illumina Laboratory Services, Illumina
Classification: Benign for Renal hypomagnesemia 4. Last evaluated: 2018-01-12. Review status: criteria provided, single submitter. Criteria: ICSL Variant Classification Criteria 13 December 2019. Collection method: clinical testing. Allele origin: germline.
Comment: This variant was observed in the ICSL laboratory as part of a predisposition screen in an ostensibly healthy population. It had not been previously curated by ICSL or reported in the Human Gene Mutation Database (HGMD: prior to June 1st, 2018), and was therefore a candidate for classification through an automated scoring system. Utilizing variant allele frequency, disease prevalence and penetrance estimates, and inheritance mode, an automated score was calculated to assess if this variant is too frequent to cause the disease. Based on the score and internal cut-off values, a variant classified as benign is not then subjected to further curation. The score for this variant resulted in a classification of benign for this disease.

Literature cited by the submitters: PubMed 28459198 (cited by Mayo Clinic Laboratories, Mayo Clinic).

NM_001963.6(EGF):c.46A>C (p.Ser16Arg)

Gene: EGF (epidermal growth factor; plus strand). Cytogenetic location: 4q25.
Variant type: single nucleotide variant.
Coding change: c.46A>C on transcript NM_001963.6 (MANE Select); coding-DNA position 46, A replaced by C.
Protein change: p.Ser16Arg; replaces serine 16 with arginine.
Molecular consequence: missense variant.
Genome position (GRCh38, 1-based): chr4:109,913,381, A>C. VCF-style: chr4-109913381-A-C. GRCh37 (hg19) VCF-style: chr4-110834537-A-C.
Other names: c.46A>C, p.Ser16Arg (NM_001178130.3, NM_001178131.3, NM_001357021.2); short protein forms S16R.
Identifiers: ClinVar variation 347224 (VCV000347224.29), dbSNP rs11568849, ClinGen allele CA3043328.